The following is an entry in ClinVar:

ClinVar aggregate classification (germline): Conflicting classifications of pathogenicity. Review status: criteria provided, conflicting classifications (1 of 4 stars). 4 submissions from 4 submitters: Uncertain significance (1); Benign (1); Likely benign (2). Last evaluated 2026-01-17.

Allele frequency attached by ClinVar (database versions not stated): gnomAD exomes 0.00011; ExAC 0.00025; TOPMed 0.00057; gnomAD 0.00070 and 0.00072; 1000 Genomes Project 30x 0.00094; 1000 Genomes Project 0.00100.
gnomAD v4.1: 213 of 1,550,298 alleles (0.014%); highest among the groups gnomAD compares: African/African-American, 0.24%; no homozygotes.

Submissions (4):

Labcorp Genetics (formerly Invitae), Labcorp
Classification: Benign. Last evaluated: 2026-01-17. Review status: criteria provided, single submitter. Criteria: Invitae Variant Classification Sherloc (09022015). Collection method: clinical testing. Allele origin: germline.

Blueprint Genetics
Classification: Uncertain significance. Last evaluated: 2024-09-02. Review status: criteria provided, single submitter. Criteria: ACMG Guidelines, 2015. Collection method: clinical testing. Allele origin: germline.

Laboratory for Molecular Medicine, Mass General Brigham Personalized Medicine
Classification: Likely benign. Last evaluated: 2014-11-24. Review status: criteria provided, single submitter. Criteria: LMM Criteria. Collection method: clinical testing. Allele origin: germline. Observed: 1 variant allele.
Comment: 3042+11G>A in intron 24 of OTOG: This variant is not expected to have clinical s ignificance because it is not located within the conserved splice consensus sequ ence. It has been identified in 2.5% (3/122) of African American chromosomes fro m a broad population by the 1000 Genomes Project (ojects/SNP; dbSNP rs150247729).

Breakthrough Genomics
Classification: Likely benign. Review status: criteria provided, single submitter. Criteria: ACMG Guidelines, 2015. Collection method: not provided. Allele origin: germline. Inheritance: Autosomal recessive inheritance. Affected: yes.

NM_001292063.2(OTOG):c.3006+11G>A

Gene: OTOG (otogelin; plus strand). Cytogenetic location: 11p15.1.
Variant type: single nucleotide variant.
Coding change: c.3006+11G>A on transcript NM_001292063.2 (MANE Select); 11 bases into the intron after coding-DNA position 3006, G replaced by A.
Molecular consequence: intron variant.
Genome position (GRCh38, 1-based): chr11:17,591,599, G>A. VCF-style: chr11-17591599-G-A. GRCh37 (hg19) VCF-style: chr11-17613146-G-A.
Other names: c.3042+11G>A (NM_001277269.2).
Identifiers: ClinVar variation 504782 (VCV000504782.15), dbSNP rs150247729, ClinGen allele CA5905691.